The following is an entry in ClinVar:

NM_000075.4(CDK4):c.629G>T (p.Arg210Leu)

Gene: CDK4 (cyclin dependent kinase 4; minus strand). Cytogenetic location: 12q14.1.
Variant type: single nucleotide variant.
Coding change: c.629G>T on transcript NM_000075.4 (MANE Select); coding-DNA position 629, G replaced by T.
Protein change: p.Arg210Leu; replaces arginine 210 with leucine.
Molecular consequence: missense variant.
Genome position (GRCh38, 1-based): chr12:57,750,659, C>A on the plus strand (G>T on the coding strand, the complement: CDK4 is on the minus strand). VCF-style: chr12-57750659-C-A. GRCh37 (hg19) VCF-style: chr12-58144442-C-A.
Other names: short protein forms R210L.
Identifiers: ClinVar variation 1039892 (VCV001039892.8), dbSNP rs373619077, ClinGen allele CA385545524.

ClinVar aggregate classification (germline): Uncertain significance (1 of 4 stars; one submission).

Conditions:
Familial melanoma. Also called: Hereditary melanoma; Hereditary cutaneous melanoma. Identifiers: Orphanet 618, MedGen C1512419, MONDO:0018961.

Submission:

Labcorp Genetics (formerly Invitae), Labcorp
Classification: Uncertain significance for Familial melanoma. Last evaluated: 2020-09-30. Review status: criteria provided, single submitter. Criteria: Invitae Variant Classification Sherloc (09022015). Collection method: clinical testing. Allele origin: germline.
Comment: In summary, the available evidence is currently insufficient to determine the role of this variant in disease. Therefore, it has been classified as a Variant of Uncertain Significance. Algorithms developed to predict the effect of missense changes on protein structure and function are either unavailable or do not agree on the potential impact of this missense change (SIFT: "Deleterious"; PolyPhen-2: "Benign"; Align-GVGD: "Class C0"). This variant has not been reported in the literature in individuals with CDK4-related conditions. This variant is not present in population databases (ExAC no frequency). This sequence change replaces arginine with leucine at codon 210 of the CDK4 protein (p.Arg210Leu). The arginine residue is highly conserved and there is a moderate physicochemical difference between arginine and leucine.